The following is an entry in ClinVar:

ClinVar aggregate classification (germline): Uncertain significance (1 of 4 stars; one submission).

Submission:

Ambry Genetics
Classification: Uncertain significance. Last evaluated: 2023-09-23. Review status: criteria provided, single submitter. Criteria: Ambry Variant Classification Scheme 2023. Collection method: clinical testing. Allele origin: germline.
Comment: The p.S245G variant (also known as c.733A>G), located in coding exon 7 of the KIF1B gene, results from an A to G substitution at nucleotide position 733. The serine at codon 245 is replaced by glycine, an amino acid with similar properties. This amino acid position is conserved. In addition, this alteration is predicted to be deleterious by in silico analysis. Since supporting evidence is limited at this time, the clinical significance of this alteration remains unclear.

NM_001365951.3(KIF1B):c.733A>G (p.Ser245Gly)

Gene: KIF1B (kinesin family member 1B; plus strand). Cytogenetic location: 1p36.22.
Variant type: single nucleotide variant.
Coding change: c.733A>G on transcript NM_001365951.3 (MANE Select); coding-DNA position 733, A replaced by G.
Protein change: p.Ser245Gly; replaces serine 245 with glycine.
Molecular consequence: missense variant.
Genome position (GRCh38, 1-based): chr1:10,271,514, A>G. VCF-style: chr1-10271514-A-G. GRCh37 (hg19) VCF-style: chr1-10331572-A-G.
Other names: c.733A>G, p.Ser245Gly (NM_001365952.1, NM_001365953.1, NM_015074.3 and 1 more transcripts); short protein forms S245G.
Identifiers: ClinVar variation 3226558 (VCV003226558.1), dbSNP rs2521096359, ClinGen allele CA338331339.